The following is an entry in ClinVar:

ClinVar aggregate classification (germline): Benign/Likely benign. Review status: criteria provided, multiple submitters, no conflicts (2 of 4 stars). 3 submissions from 3 submitters: Benign (1); Likely benign (2). Last evaluated 2025-04-23.

Conditions:
Hereditary cancer-predisposing syndrome. Also called: Neoplastic Syndromes, Hereditary; Hereditary Cancer Syndrome; Tumor predisposition; Hereditary neoplastic syndrome. Identifiers: Orphanet 140162, MedGen C0027672, MeSH D009386, MONDO:0015356.
Familial cancer of breast. Also called: Hereditary breast cancer; BREAST CANCER, FAMILIAL; hereditary breast carcinoma. Identifiers: Orphanet 227535, MedGen C0346153, MONDO:0016419, OMIM 114480. Disease mechanism: loss of function.
Ataxia-telangiectasia syndrome (AT). Also called: LOUIS-BAR SYNDROME; Cerebello-oculocutaneous telangiectasia; Immunodeficiency with ataxia telangiectasia; Ataxia-telangiectasia, complementation group D; AT, COMPLEMENTATION GROUP C; Ataxia-telangiectasia, complementation group E. Identifiers: Orphanet 100, MedGen C0004135, MONDO:0008840, OMIM 208900.

Allele frequency attached by ClinVar (database versions not stated): ExAC 0.00002; gnomAD exomes 0.00001.
gnomAD v4.1: 2 of 1,613,970 alleles (0.00012%); highest among the groups gnomAD compares: South Asian, 0.0022%; no homozygotes.

Submissions (3):

Labcorp Genetics (formerly Invitae), Labcorp
Classification: Likely benign for Ataxia-telangiectasia syndrome. Last evaluated: 2025-04-23. Review status: criteria provided, single submitter. Criteria: Invitae Variant Classification Sherloc (09022015). Collection method: clinical testing. Allele origin: germline.

Myriad Genetics, Inc.
Classification: Benign for Familial cancer of breast. Last evaluated: 2024-06-17. Review status: criteria provided, single submitter. Criteria: Myriad Autosomal Dominant, Autosomal Recessive and X-Linked Classification Criteria (2023). Collection method: clinical testing. Allele origin: unknown.
Comment: This variant is considered benign. This variant is a silent/synonymous amino acid change and it is not expected to impact splicing.

Ambry Genetics
Classification: Likely benign for Hereditary cancer-predisposing syndrome. Last evaluated: 2016-10-04. Review status: criteria provided, single submitter. Criteria: Ambry Variant Classification Scheme 2023. Collection method: clinical testing. Allele origin: germline.

NM_000051.4(ATM):c.7716G>C (p.Leu2572=)

Genes: ATM (ATM serine/threonine kinase; plus strand), C11orf65 (chromosome 11 open reading frame 65; minus strand). Cytogenetic location: 11q22.3.
Variant type: single nucleotide variant.
Coding change: c.7716G>C on transcript NM_000051.4 (MANE Select); coding-DNA position 7716, G replaced by C.
Protein change: p.Leu2572=; no amino-acid change (leucine 2572 retained).
Molecular consequence: synonymous variant. On other transcripts: intron variant (2).
Genome position (GRCh38, 1-based): chr11:108,331,965, G>C. VCF-style: chr11-108331965-G-C. GRCh37 (hg19) VCF-style: chr11-108202692-G-C.
Other names: c.7716G>C, p.Leu2572= (NM_001351834.2); c.641-22894C>G (NM_001330368.2); c.*38+3255C>G (NM_001351110.2).
Identifiers: ClinVar variation 453701 (VCV000453701.15), dbSNP rs763730344, ClinGen allele CA6266170.